The following is an entry in ClinVar:

NM_015409.5(EP400):c.5584+1G>A

Gene: EP400 (E1A binding protein p400; plus strand). Cytogenetic location: 12q24.33.
Variant type: single nucleotide variant.
Coding change: c.5584+1G>A on transcript NM_015409.5 (MANE Select); the canonical splice donor site of the intron after coding-DNA position 5584, G replaced by A.
Molecular consequence: splice donor variant.
Genome position (GRCh38, 1-based): chr12:132,029,904, G>A. VCF-style: chr12-132029904-G-A. GRCh37 (hg19) VCF-style: chr12-132514449-G-A.
Identifiers: ClinVar variation 3346353 (VCV003346353.1).
Genomic context (GRCh38, chr12:132,029,904, plus strand): 5'-AGACCACGGCTCCACGCCTGCTGCAGTTCCCTGAGCTGAGGCTGGTGCAGTTCGACTCAG[G>A]TATGCGGCAGTTGGGGGCGTGGCCCGTGCGGGAGCTGCACCGGCCCTGGATGATGAGGCG-3'

ClinVar aggregate classification (germline): Uncertain significance (0 of 4 stars; one submission).

Conditions:
EP400-related disorder. Also called: EP400-related condition.

Submission:

PreventionGenetics, part of Exact Sciences
Classification: Uncertain significance for EP400-related condition. Last evaluated: 2024-09-13. Review status: no assertion criteria provided. Collection method: clinical testing. Allele origin: germline.
Comment: The EP400 c.5584+1G>A variant is predicted to disrupt the GT donor site and interfere with normal splicing. To our knowledge, this variant has not been reported in the literature or in a large population database, indicating this variant is rare. Although we suspect this variant may be pathogenic, at this time, the clinical significance of this variant is uncertain due to the absence of conclusive functional and genetic evidence.